The following is an entry in ClinVar:

NM_000142.5(FGFR3):c.472C>T (p.Arg158Trp)

Gene: FGFR3 (fibroblast growth factor receptor 3; plus strand). Cytogenetic location: 4p16.3.
Variant type: single nucleotide variant.
Coding change: c.472C>T on transcript NM_000142.5 (MANE Select); coding-DNA position 472, C replaced by T.
Protein change: p.Arg158Trp; replaces arginine 158 with tryptophan.
Molecular consequence: missense variant. On other transcripts: non-coding transcript variant (1).
Genome position (GRCh38, 1-based): chr4:1,801,393, C>T. VCF-style: chr4-1801393-C-T. GRCh37 (hg19) VCF-style: chr4-1803120-C-T.
Other names: c.472C>T, p.Arg158Trp (NM_001163213.2, NM_001354809.2, NM_001354810.2 and 1 more transcripts); short protein forms R158W.
Identifiers: ClinVar variation 4891500 (VCV004891500.1).

ClinVar aggregate classification (germline): Uncertain significance (1 of 4 stars; one submission).

gnomAD v4.1: 16 of 1,556,882 alleles (0.001%); highest among the groups gnomAD compares: East Asian, 0.017%; no homozygotes.

Submission:

GeneDx
Classification: Uncertain significance. Last evaluated: 2026-01-22. Review status: criteria provided, single submitter. Criteria: GeneDx Variant Classification Process June 2021. Collection method: clinical testing. Allele origin: germline.
Comment: In silico analysis supports that this missense variant has a deleterious effect on protein structure/function; This variant is associated with the following publications: (PMID: 36095024)